The following is an entry in ClinVar:

ClinVar aggregate classification (germline): Benign. Review status: criteria provided, multiple submitters, no conflicts (2 of 4 stars). 3 submissions from 3 submitters: Benign (3). Last evaluated 2026-02-02.

Conditions:
Brachyolmia-amelogenesis imperfecta syndrome. Also called: Tooth agenesis, selective, 6; Dental anomalies and short stature; PLATYSPONDYLY WITH AMELOGENESIS IMPERFECTA. Identifiers: Orphanet 2899, MedGen C1832594, MONDO:0011018, OMIM 601216. Disease mechanism: loss of function.

Allele frequency attached by ClinVar (database versions not stated): gnomAD exomes 0.00119 and 0.00335; ExAC 0.00398; gnomAD 0.01135 and 0.01204; TOPMed 0.01223; 1000 Genomes Project 0.01238; 1000 Genomes Project 30x 0.01374; ESP Exome Variant Server 0.01462.
gnomAD v4.1: 3,548 of 1,613,804 alleles (0.22%); highest among the groups gnomAD compares: African/African-American, 3.9%; 59 homozygotes.

Submissions (3):

Labcorp Genetics (formerly Invitae), Labcorp
Classification: Benign for Brachyolmia-amelogenesis imperfecta syndrome. Last evaluated: 2026-02-02. Review status: criteria provided, single submitter. Criteria: Invitae Variant Classification Sherloc (09022015). Collection method: clinical testing. Allele origin: germline.

Mayo Clinic Laboratories, Mayo Clinic
Classification: Benign. Last evaluated: 2024-10-23. Review status: criteria provided, single submitter. Criteria: ACMG Guidelines, 2015. Collection method: clinical testing. Allele origin: germline. Observed: 5 variant alleles.
Comment: BS1, BS2, BP4, BP7

Breakthrough Genomics
Classification: Benign. Review status: criteria provided, single submitter. Criteria: ACMG Guidelines, 2015. Collection method: not provided. Allele origin: germline. Inheritance: Autosomal recessive inheritance. Affected: yes.

NM_001130144.3(LTBP3):c.3012T>C (p.Ile1004=)

Genes: LTBP3 (latent transforming growth factor beta binding protein 3; minus strand), LOC121832793 (Sharpr-MPRA regulatory region 4001; plus strand). Cytogenetic location: 11q13.1.
Variant type: single nucleotide variant.
Coding change: c.3012T>C on transcript NM_001130144.3 (MANE Select); coding-DNA position 3012, T replaced by C.
Protein change: p.Ile1004=; no amino-acid change (isoleucine 1004 retained).
Molecular consequence: synonymous variant.
Genome position (GRCh38, 1-based): chr11:65,540,580, A>G on the plus strand (T>C on the coding strand, the complement: LTBP3 is on the minus strand). VCF-style: chr11-65540580-A-G. GRCh37 (hg19) VCF-style: chr11-65308051-A-G.
Other names: p.Ile1004=; c.2661T>C, p.Ile887= (NM_001164266.1); c.3012T>C, p.Ile1004= (NM_021070.4).
Identifiers: ClinVar variation 701918 (VCV000701918.12), dbSNP rs151139557, ClinGen allele CA6100373.
Genomic context (GRCh38, chr11:65,540,580, plus strand): 5'-GCCCTGCTTGCAGTAGCACTCGTAGCCAGGCTGCGTGTTCACGCACTTGCCCTCCTTGCA[A>G]ATCTCCGACCCGAACAACATGCACTCGTCGATGTCTGCGGGGTGACAAACACTGGCCGCT-3'
Protein context (NP_001123616.1, residues 994-1014): IDECMLFGSE[Ile1004=]CKEGKCVNTQ